The following is an entry in ClinVar:

NM_004006.3(DMD):c.7555G>A (p.Asp2519Asn)

Gene: DMD (dystrophin; minus strand). Cytogenetic location: Xp21.1.
Variant type: single nucleotide variant.
Coding change: c.7555G>A on transcript NM_004006.3 (MANE Select); coding-DNA position 7555, G replaced by A.
Protein change: p.Asp2519Asn; replaces aspartic acid 2519 with asparagine.
Molecular consequence: missense variant.
Genome position (GRCh38, 1-based): chrX:31,729,736, C>T on the plus strand (G>A on the coding strand, the complement: DMD is on the minus strand). VCF-style: chrX-31729736-C-T. GRCh37 (hg19) VCF-style: chrX-31747853-C-T.
Other names: c.7531G>A, p.Asp2511Asn (NM_000109.4); c.7543G>A, p.Asp2515Asn (NM_004009.3); c.7186G>A, p.Asp2396Asn (NM_004010.3); c.3532G>A, p.Asp1178Asn (NM_004011.4); c.3523G>A, p.Asp1175Asn (NM_004012.4); c.175G>A, p.Asp59Asn (NM_004013.3, NM_004020.4, NM_004021.3 and 2 more transcripts); short protein forms D2519N, D2515N, D59N, D1178N, D2396N, D2511N, D1175N.
Identifiers: ClinVar variation 427170 (VCV000427170.62), dbSNP rs771877780, ClinGen allele CA10378250.

ClinVar aggregate classification (germline): Conflicting classifications of pathogenicity. Review status: criteria provided, conflicting classifications (1 of 4 stars). 7 submissions from 7 submitters: Pathogenic (2); Likely pathogenic (1); Uncertain significance (3); Benign (1). Last evaluated 2026-01-31.

Conditions:
Duchenne muscular dystrophy (DMD). Also called: MUSCULAR DYSTROPHY, PSEUDOHYPERTROPHIC PROGRESSIVE, DUCHENNE TYPE; Duchenne Muscular Dystrophy (DMD). Identifiers: Orphanet 98896, MedGen C0013264, MONDO:0010679, OMIM 310200.
Cardiovascular phenotype. Identifiers: MedGen CN230736.

Allele frequency attached by ClinVar (database versions not stated): gnomAD exomes below 0.00001 and 0.00003; gnomAD 0.00002 and 0.00005; TOPMed 0.00002; ExAC 0.00005.
gnomAD v4.1: 7 of 1,207,821 alleles (0.00058%); highest among the groups gnomAD compares: East Asian, 0.021%; no homozygotes.

Submissions (7):

Labcorp Genetics (formerly Invitae), Labcorp
Classification: Benign for Duchenne muscular dystrophy. Last evaluated: 2026-01-31. Review status: criteria provided, single submitter. Criteria: Invitae Variant Classification Sherloc (09022015). Collection method: clinical testing. Allele origin: germline.

Women's Health and Genetics/Laboratory Corporation of America, LabCorp
Classification: Uncertain significance. Last evaluated: 2023-10-19. Review status: criteria provided, single submitter. Criteria: LabCorp Variant Classification Summary - May 2015. Collection method: clinical testing. Allele origin: germline.
Comment: Variant summary: DMD c.7555G>A (p.Asp2519Asn) results in a conservative amino acid change located in the central rod domain of the encoded protein sequence. Three of five in-silico tools predict a damaging effect of the variant on protein function. The variant allele was found at a frequency of 2.9e-05 in 205897 control chromosomes, predominantly at a frequency of 0.0004 within the East Asian subpopulation in the gnomAD database, including 4 hemizygotes. The available data on variant occurrences in the general population suggest the variant could be a benign polymorphism found predominantly in individuals of East Asian ancestry, but are ultimately insufficient to allow any conclusion about variant significance. These data do not allow any conclusion about variant significance. To our knowledge, no experimental evidence demonstrating an impact on protein function has been reported. The following publications have been ascertained in the context of this evaluation (PMID: 33029525, 24770780). Six submitters have cited clinical-significance assessments for this variant to ClinVar after 2014 with conflicting assessments. Three submitters classified the variant as pathogenic/likely pathogenic, two classified it as uncertain significance, and one submitter classified it as benign. Based on the evidence outlined above, the variant was classified as uncertain significance.

Ambry Genetics
Classification: Uncertain significance for Cardiovascular phenotype. Last evaluated: 2022-06-25. Review status: criteria provided, single submitter. Criteria: Ambry Variant Classification Scheme 2023. Collection method: clinical testing. Allele origin: germline.
Comment: The p.D2519N variant (also known as c.7555G>A), located in coding exon 52 of the DMD gene, results from a G to A substitution at nucleotide position 7555. The aspartic acid at codon 2519 is replaced by asparagine, an amino acid with highly similar properties. Based on data from gnomAD, the A allele has an overall frequency of 0.0029%( 6/205497) total alleles studied, with 4 hemizygotes observed. The highest observed frequency was 0.0403% (6/14879) of East Asian alleles. This amino acid position is well conserved in available vertebrate species. In addition, this alteration is predicted to be tolerated by in silico analysis. Since supporting evidence is limited at this time, the clinical significance of this alteration remains unclear.

ARUP Laboratories, Molecular Genetics and Genomics, ARUP Laboratories
Classification: Uncertain significance. Last evaluated: 2022-05-04. Review status: criteria provided, single submitter. Criteria: ARUP Molecular Germline Variant Investigation Process 2021. Collection method: clinical testing. Allele origin: germline.
Comment: The DMD c.7555G>A; This variant is reported in the ClinVar database with conflicting classifications (Variation ID: 427170). This variant is found in the East Asian population with an allele frequency of 0.04% (6/14,879 alleles, including 4 hemizygotes) in the Genome Aggregation Database. The aspartic acid at codon 2519 is highly conserved, but computational analyses are uncertain whether this variant is neutral or deleterious (REVEL: 0.254). Although the number of hemizygotes in the Genome Aggregation Database indicates this variant may be a rare benign variant, due to conflicting information, the clinical significance of the p.Asp2519Asn variant is uncertain at this time. References: Han S et al. Population-Wide Duchenne Muscular Dystrophy Carrier Detection by CK and Molecular Testing. Biomed Res Int. 2020 Sep 27;2020:8396429. PMID: 33029525. Wang Y et al. Whole dystrophin gene analysis by next-generation sequencing: a comprehensive genetic diagnosis of Duchenne and Becker muscular dystrophy. Mol Genet Genomics. 2014 Oct;289(5):1013-21. PMID: 24770780.

Department of Obstetrics, Zhejiang Provincial People's Hospital, Zhejiang Provincial People's Hospital
Classification: Likely pathogenic for Duchenne muscular dystrophy. Last evaluated: 2020-08-16. Review status: criteria provided, single submitter. Criteria: ACMG Guidelines, 2015. Collection method: clinical testing. Allele origin: de novo. Inheritance: X-linked recessive inheritance. Affected: yes. Observed: 1 hemizygote.
Comment: The D2519N missense variant was not observed in 1000 Genome database, ESP 6500 and genomAD. This substitution occurs at a position that is conserved across species (SIFT and PolyPhen predicted it deleterious and probably damaging). Therefore, D2519N is interpreted as a likely pathogenic variant.

CeGaT Center for Human Genetics Tuebingen
Classification: Pathogenic. Last evaluated: 2017-06-01. Review status: criteria provided, single submitter. Criteria: CeGaT Center For Human Genetics Tuebingen Variant Classification Criteria Version 2. Collection method: clinical testing. Allele origin: germline. Affected: yes. Observed: 1 variant allele.

GeneDx
Classification: Pathogenic. Last evaluated: 2015-05-04. Review status: criteria provided, single submitter. Criteria: GeneDx Variant Classification (06012015). Collection method: clinical testing. Allele origin: germline. Affected: yes.
Comment: It was not observed in approximately 6,500 individuals of European and African American ancestry in the NHLBI Exome Sequencing Project, indicating it is not a common benign variant in these populations. The D2519N variant is a semi-conservative amino acid substitution, which may impact secondary protein structure as these residues differ in some properties. This substitution occurs at a position that is conserved across species. Therefore, D2519N is interpreted as a pathogenic variant.

Literature cited by the submitters: PubMed 24770780 (cited by Women's Health and Genetics/Laboratory Corporation of America, LabCorp and Ambry Genetics); PubMed 33029525 (cited by Women's Health and Genetics/Laboratory Corporation of America, LabCorp and Ambry Genetics).